The following is an entry in ClinVar:

NM_000372.5(TYR):c.1039T>C (p.Phe347Leu)

Gene: TYR (tyrosinase; plus strand). Cytogenetic location: 11q14.3.
Variant type: single nucleotide variant.
Coding change: c.1039T>C on transcript NM_000372.5 (MANE Select); coding-DNA position 1039, T replaced by C.
Protein change: p.Phe347Leu; replaces phenylalanine 347 with leucine.
Molecular consequence: missense variant.
Genome position (GRCh38, 1-based): chr11:89,227,825, T>C. VCF-style: chr11-89227825-T-C. GRCh37 (hg19) VCF-style: chr11-88960993-T-C.
Other names: short protein forms F347L.
Identifiers: ClinVar variation 1320271 (VCV001320271.4), dbSNP rs2135281765, ClinGen allele CA382028151.
Genomic context (GRCh38, chr11:89,227,825, plus strand): 5'-ACATAGGTTTTCAGTCATTAAAGTAAACATATTTTTTTCATTTTTTTTTAATGAACAGGA[T>C]TTGCTAGTCCACTTACTGGGATAGCGGATGCCTCTCAAAGCAGCATGCACAATGCCTTGC-3'
Protein context (NP_000363.1, residues 337-357): NFSFRNTLEG[Phe347Leu]ASPLTGIADA

ClinVar aggregate classification (germline): Likely pathogenic. Review status: criteria provided, multiple submitters, no conflicts (2 of 4 stars). 2 submissions from 2 submitters: Likely pathogenic (2). Last evaluated 2023-02-14.

Conditions:
Oculocutaneous albinism type 1A (OCA1A). Also called: Albinism, oculocutaneous, type IA. Identifiers: Orphanet 352731, Orphanet 79431, MedGen C4551504, MONDO:0008745, OMIM 203100. Disease mechanism: loss of function.

Submissions (2):

Labcorp Genetics (formerly Invitae), Labcorp
Classification: Likely pathogenic. Last evaluated: 2023-02-14. Review status: criteria provided, single submitter. Criteria: Invitae Variant Classification Sherloc (09022015). Collection method: clinical testing. Allele origin: germline.
Comment: This sequence change replaces phenylalanine, which is neutral and non-polar, with leucine, which is neutral and non-polar, at codon 347 of the TYR protein (p.Phe347Leu). This variant is not present in population databases (gnomAD no frequency). This missense change has been observed in individual(s) with oculocutaneous albinism (PMID: 32901917). In at least one individual the data is consistent with being in trans (on the opposite chromosome) from a pathogenic variant. ClinVar contains an entry for this variant (Variation ID: 1320271). Advanced modeling of protein sequence and biophysical properties (such as structural, functional, and spatial information, amino acid conservation, physicochemical variation, residue mobility, and thermodynamic stability) performed at Invitae indicates that this missense variant is expected to disrupt TYR protein function. In summary, the currently available evidence indicates that the variant is pathogenic, but additional data are needed to prove that conclusively. Therefore, this variant has been classified as Likely Pathogenic.

3billion
Classification: Likely pathogenic for Oculocutaneous albinism type 1A. Last evaluated: 2021-10-02. Review status: criteria provided, single submitter. Criteria: ACMG Guidelines, 2015. Collection method: clinical testing. Allele origin: maternal. Affected: yes. Observed: 1 heterozygote.
Comment: It is not observed in the gnomAD v2.1.1 dataset (PM2). The variant was observed in trans with a pathogenic variant (NM_000372.4: c.929dup) as compound heterozygous (3billion dataset, PM3). In silico tool predictions suggest damaging effect of the variant on gene or gene product (REVEL: 0.916, 3Cnet: 0.958, PP3). Patient's phenotype is considered compatible with Albinism, Oculicutaneous, Type 1A (3billion dataset, PP4). Therefore, this variant is classified as likely pathogenic according to the recommendation of ACMG/AMP guideline.

Literature cited by the submitters: PubMed 32901917 (cited by Labcorp Genetics (formerly Invitae), Labcorp).